The following is an entry in ClinVar:

ClinVar aggregate classification (germline): Uncertain significance (1 of 4 stars; one submission).

Conditions:
Cerebral folate transport deficiency. Also called: FOLR1-Related Cerebral Folate Transport Deficiency; FOLATE RECEPTOR DEFICIENCY; NEURODEGENERATION DUE TO CEREBRAL FOLATE TRANSPORT DEFICIENCY; Neurodegenerative syndrome due to cerebral folate transport deficiency; Cerebral folate deficiency syndrome. Identifiers: Orphanet 217382, MedGen C2751584, MONDO:0013110, OMIM 613068. Disease mechanism: loss of function.

Submission:

Labcorp Genetics (formerly Invitae), Labcorp
Classification: Uncertain significance for Cerebral folate transport deficiency. Last evaluated: 2018-08-15. Review status: criteria provided, single submitter. Criteria: Invitae Variant Classification Sherloc (09022015). Collection method: clinical testing. Allele origin: germline.
Comment: Algorithms developed to predict the effect of missense changes on protein structure and function (SIFT, PolyPhen-2, Align-GVGD) all suggest that this variant is likely to be tolerated, but these predictions have not been confirmed by published functional studies and their clinical significance is uncertain. This sequence change replaces glycine with glutamic acid at codon 235 of the FOLR1 protein (p.Gly235Glu). The glycine residue is weakly conserved and there is a moderate physicochemical difference between glycine and glutamic acid. This variant is not present in population databases (ExAC no frequency). This variant has not been reported in the literature in individuals with FOLR1-related disease. In summary, the available evidence is currently insufficient to determine the role of this variant in disease. Therefore, it has been classified as a Variant of Uncertain Significance.

NM_016729.3(FOLR1):c.704G>A (p.Gly235Glu)

Genes: FOLR1-AS1 (FOLR1 antisense RNA 1; minus strand), FOLR1 (folate receptor alpha; plus strand). Cytogenetic location: 11q13.4.
Variant type: single nucleotide variant.
Coding change: c.704G>A on transcript NM_016729.3 (MANE Select); coding-DNA position 704, G replaced by A.
Protein change: p.Gly235Glu; replaces glycine 235 with glutamic acid.
Molecular consequence: missense variant.
Genome position (GRCh38, 1-based): chr11:72,196,107, G>A. VCF-style: chr11-72196107-G-A. GRCh37 (hg19) VCF-style: chr11-71907151-G-A.
Other names: c.704G>A, p.Gly235Glu (NM_000802.3, NM_016724.3, NM_016725.3); short protein forms G235E.
Identifiers: ClinVar variation 651960 (VCV000651960.9), dbSNP rs1565365988, ClinGen allele CA381735191.